The following is an entry in ClinVar:

NM_018486.3(HDAC8):c.104C>T (p.Pro35Leu)

Gene: HDAC8 (histone deacetylase 8; minus strand). Cytogenetic location: Xq13.1.
Variant type: single nucleotide variant.
Coding change: c.104C>T on transcript NM_018486.3 (MANE Select); coding-DNA position 104, C replaced by T.
Protein change: p.Pro35Leu; replaces proline 35 with leucine.
Molecular consequence: missense variant. On other transcripts: non-coding transcript variant (1).
Genome position (GRCh38, 1-based): chrX:72,572,658, G>A on the plus strand (C>T on the coding strand, the complement: HDAC8 is on the minus strand). VCF-style: chrX-72572658-G-A. GRCh37 (hg19) VCF-style: chrX-71792508-G-A.
Other names: c.104C>T, p.Pro35Leu (NM_001166418.2, NM_001166419.2, NM_001166420.2 and 2 more transcripts); short protein forms P35L.
Identifiers: ClinVar variation 1498406 (VCV001498406.6), dbSNP rs782296225, ClinGen allele CA413576880.

ClinVar aggregate classification (germline): Uncertain significance (1 of 4 stars; one submission).

Conditions:
Cornelia de Lange syndrome 5 (CDLS5). Also called: HDAC8-Related Cornelia de Lange Syndrome. Identifiers: Orphanet 199, MedGen C3550903, MONDO:0010471, OMIM 300882.

Allele frequency attached by ClinVar (database versions not stated): TOPMed below 0.00001.
gnomAD v4.1: 7 of 1,156,686 alleles (0.00061%); highest among the groups gnomAD compares: Non-Finnish European, 0.00081%; no homozygotes.

Submission:

Labcorp Genetics (formerly Invitae), Labcorp
Classification: Uncertain significance for Cornelia de Lange syndrome 5. Last evaluated: 2023-10-13. Review status: criteria provided, single submitter. Criteria: Invitae Variant Classification Sherloc (09022015). Collection method: clinical testing. Allele origin: germline.
Comment: This sequence change replaces proline, which is neutral and non-polar, with leucine, which is neutral and non-polar, at codon 35 of the HDAC8 protein (p.Pro35Leu). This variant is not present in population databases (gnomAD no frequency). This variant has not been reported in the literature in individuals affected with HDAC8-related conditions. ClinVar contains an entry for this variant (Variation ID: 1498406). Advanced modeling of protein sequence and biophysical properties (such as structural, functional, and spatial information, amino acid conservation, physicochemical variation, residue mobility, and thermodynamic stability) performed at Invitae indicates that this missense variant is not expected to disrupt HDAC8 protein function. In summary, the available evidence is currently insufficient to determine the role of this variant in disease. Therefore, it has been classified as a Variant of Uncertain Significance.